The following is an entry in ClinVar:

NM_005269.3(GLI1):c.337C>T (p.Arg113Ter)

Gene: GLI1 (GLI family zinc finger 1; plus strand). Cytogenetic location: 12q13.3.
Variant type: single nucleotide variant.
Coding change: c.337C>T on transcript NM_005269.3 (MANE Select); coding-DNA position 337, C replaced by T.
Protein change: p.Arg113Ter; replaces arginine 113 with a stop codon.
Molecular consequence: nonsense. On other transcripts: 5 prime UTR variant (1).
Genome position (GRCh38, 1-based): chr12:57,464,816, C>T. VCF-style: chr12-57464816-C-T. GRCh37 (hg19) VCF-style: chr12-57858599-C-T.
Other names: c.-48C>T (NM_001160045.2); c.214C>T, p.Arg72Ter (NM_001167609.2); short protein forms R113*, R72*.
Identifiers: ClinVar variation 561215 (VCV000561215.2), dbSNP rs748321474, ClinGen allele CA385461302.
Genomic context (GRCh38, chr12:57,464,816, plus strand): 5'-CTGGACCTGCAGACGGTTATCCGCACCTCACCCAGCTCCCTCGTAGCTTTCATCAACTCG[C>T]GATGCACATCTCCAGGAGGCTCCTACGGTCATCTCTCCATTGGCACCATGAGGTGCAGTC-3'

ClinVar aggregate classification (germline): Pathogenic. Review status: criteria provided, single submitter (1 of 4 stars). 2 submissions from 2 submitters: Pathogenic (1). 1 of the submissions does not count toward it. Last evaluated 2022-01-03.

Conditions:
Polydactyly, postaxial, type A8. Identifiers: MedGen C4748277, MONDO:0029130, OMIM 618123.

Submissions (2):

3billion
Classification: Pathogenic for Polydactyly, postaxial, type A8. Last evaluated: 2022-01-03. Review status: criteria provided, single submitter. Criteria: ACMG Guidelines, 2015. Collection method: clinical testing. Allele origin: germline. Affected: yes. Observed: 1 homozygote.
Comment: Stop-gained (nonsense): predicted to result in a loss or disruption of normal protein function through nonsense-mediated decay (NMD) or protein truncation. Multiple pathogenic variants are reported downstream of the variant (PVS1_VS). It is observed at an extremely low frequency in the gnomAD v2.1.1 dataset (total allele frequency: 0.000004, PM2_M). The variant has been reported to be associated with GLI1 related disorder (ClinVar ID: VCV000561215, PMID:28973407). Therefore, this variant is classified as pathogenic according to the recommendation of ACMG/AMP guideline.

OMIM
Classification: Pathogenic for POLYDACTYLY, POSTAXIAL, TYPE A8. Last evaluated: 2018-09-17. Review status: no assertion criteria provided. Collection method: literature only. Allele origin: germline. Not counted in ClinVar's aggregate classification.

Literature cited by the submitters: PubMed 28973407 (cited by 3billion and OMIM).